The following is an entry in ClinVar:

NM_001370658.1(BTD):c.1211G>A (p.Cys404Tyr)

Gene: BTD (biotinidase; plus strand). Cytogenetic location: 3p25.1.
Variant type: single nucleotide variant.
Coding change: c.1211G>A on transcript NM_001370658.1 (MANE Select); coding-DNA position 1211, G replaced by A.
Protein change: p.Cys404Tyr; replaces cysteine 404 with tyrosine.
Molecular consequence: missense variant. On other transcripts: intron variant (2).
Genome position (GRCh38, 1-based): chr3:15,645,127, G>A. VCF-style: chr3-15645127-G-A. GRCh37 (hg19) VCF-style: chr3-15686634-G-A.
Other names: c.1211G>A, p.Cys404Tyr (NM_001407374.1, NM_001407375.1, NM_001407376.1 and 16 more transcripts); c.1015+196G>A (NM_001370752.1); c.399+3070G>A (NM_001370753.1); c.1271G>A, p.Cys424Tyr (NM_000060.4); short protein forms C404Y.
Identifiers: ClinVar variation 25075 (VCV000025075.19), dbSNP rs397514335, ClinGen allele CA278316.

ClinVar aggregate classification (germline): Pathogenic/Likely pathogenic. Review status: criteria provided, multiple submitters, no conflicts (2 of 4 stars). 3 submissions from 3 submitters: Pathogenic (1); Likely pathogenic (2). Last evaluated 2024-05-16.

Conditions:
Biotinidase deficiency. Also called: BTD deficiency; Late-onset biotin-responsive multiple carboxylase deficiency; Biotin deficiency. Identifiers: Orphanet 79241, MedGen C0220754, MONDO:0009665, OMIM 253260.

Allele frequency attached by ClinVar (database versions not stated): gnomAD exomes below 0.00001.

Submissions (3):

Labcorp Genetics (formerly Invitae), Labcorp
Classification: Pathogenic for Biotinidase deficiency. Last evaluated: 2024-05-16. Review status: criteria provided, single submitter. Criteria: Invitae Variant Classification Sherloc (09022015). Collection method: clinical testing. Allele origin: germline.
Comment: This sequence change replaces cysteine, which is neutral and slightly polar, with tyrosine, which is neutral and polar, at codon 424 of the BTD protein (p.Cys424Tyr). This variant is present in population databases (rs397514335, gnomAD 0.003%). This missense change has been observed in individual(s) with biotinidase deficiency (PMID: 15776412). ClinVar contains an entry for this variant (Variation ID: 25075). Advanced modeling of protein sequence and biophysical properties (such as structural, functional, and spatial information, amino acid conservation, physicochemical variation, residue mobility, and thermodynamic stability) performed at Invitae indicates that this missense variant is expected to disrupt BTD protein function with a positive predictive value of 95%. This variant disrupts the p.Cys424 amino acid residue in BTD. Other variant(s) that disrupt this residue have been determined to be pathogenic (PMID: 15776412, 29359854). This suggests that this residue is clinically significant, and that variants that disrupt this residue are likely to be disease-causing. For these reasons, this variant has been classified as Pathogenic.

Women's Health and Genetics/Laboratory Corporation of America, LabCorp
Classification: Likely pathogenic for Biotinidase deficiency. Last evaluated: 2023-01-06. Review status: criteria provided, single submitter. Criteria: LabCorp Variant Classification Summary - May 2015. Collection method: clinical testing. Allele origin: germline.
Comment: Variant summary: BTD c.1211G>A (p.Cys404Tyr) results in a non-conservative amino acid change in the encoded protein sequence. Five of five in-silico tools predict a damaging effect of the variant on protein function. The variant allele was found at a frequency of 4e-06 in 251376 control chromosomes (gnomAD). c.1211G>A has been reported in the literature in at least one homozygous individual affected with profound Biotinidase Deficiency (Wolf_2005). These data indicate that the variant may be associated with disease. Serum biotinidase activity was completely absent (0% of control) in this homozygous individual (Wolf_2005). Two ClinVar submitters have assessed the variant since 2014: one classified the variant as likely pathogenic, and one as pathogenic. Based on the evidence outlined above, the variant was classified as likely pathogenic.

GeneDx
Classification: Likely pathogenic. Last evaluated: 2015-12-07. Review status: criteria provided, single submitter. Criteria: GeneDx Variant Classification (06012015). Collection method: clinical testing. Allele origin: germline. Affected: yes.
Comment: The C424Y variant has been reported previously in a patient with profound biotinidase deficiency who was homozygous for the C424Y variant (Wolf et al. 2005). The C424Y variant was not observed in approximately 6500 individuals of European and African American ancestry in the NHLBI Exome Sequencing Project, indicating it is not a common benign variant in these populations. C424Y is a non-conservative amino acid substitution, which is likely to impact secondary protein structure as these residues differ in polarity, charge, size and/or other properties. This substitution occurs at a position that is conserved across species, and in silico analysis predicts this variant is probably damaging to the protein structure/function. Position 424 is reported to be crucial for ester formation and binding of the biotinyl-moiety in the active site of the biotinidase enzyme (Wolf et al., 2005). A missense variant at the same residue (C424S) and in nearby residues (C418S, C423R, C423S) have also been reported in the Human Gene Mutation Database in association with biotinidase deficiency (Stenson et al., 2014). Therefore, we interpret the C424Y variant to be likely pathogenic.

Literature cited by the submitters: PubMed 15776412 (cited by Labcorp Genetics (formerly Invitae), Labcorp and Women's Health and Genetics/Laboratory Corporation of America, LabCorp); PubMed 29359854 (cited by Labcorp Genetics (formerly Invitae), Labcorp).